The following is an entry in ClinVar:

NM_001927.4(DES):c.1381G>A (p.Glu461Lys)

Gene: DES (desmin; plus strand). Cytogenetic location: 2q35.
Variant type: single nucleotide variant.
Coding change: c.1381G>A on transcript NM_001927.4 (MANE Select); coding-DNA position 1381, G replaced by A.
Protein change: p.Glu461Lys; replaces glutamic acid 461 with lysine.
Molecular consequence: missense variant. On other transcripts: intron variant (1).
Genome position (GRCh38, 1-based): chr2:219,425,958, G>A. VCF-style: chr2-219425958-G-A. GRCh37 (hg19) VCF-style: chr2-220290680-G-A.
Other names: c.1378G>A, p.Glu460Lys (NM_001382708.1); c.949G>A, p.Glu317Lys (NM_001382709.1); c.1312G>A, p.Glu438Lys (NM_001382710.1); c.1360G>A, p.Glu454Lys (NM_001382711.1); c.1111G>A, p.Glu371Lys (NM_001382713.1); c.1371+213G>A (NM_001382712.1); short protein forms E460K, E461K, E371K, E438K, E454K, E317K.
Identifiers: ClinVar variation 4783730 (VCV004783730.1).

ClinVar aggregate classification (germline): Uncertain significance (1 of 4 stars; one submission).

Conditions:
Desmin-related myofibrillar myopathy (MFM1). Also called: Desminopathy; Desmin related myopathy (former name); Desmin storage myopathy (former name); MYOFIBRILLAR MYOPATHY WITH ARRHYTHMOGENIC RIGHT VENTRICULAR CARDIOMYOPATHY; DESMIN-RELATED MYOPATHY WITH ARRHYTHMOGENIC RIGHT VENTRICULAR CARDIOMYOPATHY; Myofibrillar myopathy 1. Identifiers: Orphanet 363543, Orphanet 98909, MedGen C1832370, MONDO:0011076, OMIM 601419.

Submission:

Labcorp Genetics (formerly Invitae), Labcorp
Classification: Uncertain significance for Desmin-related myofibrillar myopathy. Last evaluated: 2025-05-12. Review status: criteria provided, single submitter. Criteria: Invitae Variant Classification Sherloc (09022015). Collection method: clinical testing. Allele origin: germline.
Comment: This sequence change replaces glutamic acid, which is acidic and polar, with lysine, which is basic and polar, at codon 461 of the DES protein (p.Glu461Lys). This variant is not present in population databases (gnomAD no frequency). This variant has not been reported in the literature in individuals affected with DES-related conditions. Invitae Evidence Modeling of protein sequence and biophysical properties (such as structural, functional, and spatial information, amino acid conservation, physicochemical variation, residue mobility, and thermodynamic stability) has been performed for this missense variant. However, the output from this modeling did not meet the statistical confidence thresholds required to predict the impact of this variant on DES protein function. In summary, the available evidence is currently insufficient to determine the role of this variant in disease. Therefore, it has been classified as a Variant of Uncertain Significance.